The following is an entry in ClinVar:

NM_006899.5(IDH3B):c.1019A>G (p.Tyr340Cys)

Gene: IDH3B (isocitrate dehydrogenase (NAD(+)) 3 non-catalytic subunit beta; minus strand). Cytogenetic location: 20p13.
Variant type: single nucleotide variant.
Coding change: c.1019A>G on transcript NM_006899.5 (MANE Select); coding-DNA position 1019, A replaced by G.
Protein change: p.Tyr340Cys; replaces tyrosine 340 with cysteine.
Molecular consequence: missense variant. On other transcripts: non-coding transcript variant (1).
Genome position (GRCh38, 1-based): chr20:2,659,577, T>C on the plus strand (A>G on the coding strand, the complement: IDH3B is on the minus strand). VCF-style: chr20-2659577-T-C. GRCh37 (hg19) VCF-style: chr20-2640223-T-C.
Other names: c.1019A>G, p.Tyr340Cys (NM_001258384.3, NM_001330763.2, NM_174855.4); short protein forms Y340C.
Identifiers: ClinVar variation 1465802 (VCV001465802.6), dbSNP rs1568547187, ClinGen allele CA408033921.

ClinVar aggregate classification (germline): Uncertain significance (1 of 4 stars; one submission).

Allele frequency attached by ClinVar (database versions not stated): gnomAD exomes below 0.00001.
gnomAD v4.1: 3 of 1,614,220 alleles (0.00019%); highest among the groups gnomAD compares: Non-Finnish European, 0.000085%; no homozygotes.

Submission:

Labcorp Genetics (formerly Invitae), Labcorp
Classification: Uncertain significance. Last evaluated: 2025-04-28. Review status: criteria provided, single submitter. Criteria: Invitae Variant Classification Sherloc (09022015). Collection method: clinical testing. Allele origin: germline.
Comment: This sequence change replaces tyrosine, which is neutral and polar, with cysteine, which is neutral and slightly polar, at codon 340 of the IDH3B protein (p.Tyr340Cys). This variant is present in population databases (no rsID available, gnomAD 0.004%). This variant has not been reported in the literature in individuals affected with IDH3B-related conditions. ClinVar contains an entry for this variant (Variation ID: 1465802). Invitae Evidence Modeling of protein sequence and biophysical properties (such as structural, functional, and spatial information, amino acid conservation, physicochemical variation, residue mobility, and thermodynamic stability) indicates that this missense variant is not expected to disrupt IDH3B protein function with a negative predictive value of 80%. In summary, the available evidence is currently insufficient to determine the role of this variant in disease. Therefore, it has been classified as a Variant of Uncertain Significance.